The following is an entry in ClinVar:

ClinVar aggregate classification (germline): Uncertain significance (1 of 4 stars; one submission).

Submission:

GeneDx
Classification: Uncertain significance. Last evaluated: 2023-10-10. Review status: criteria provided, single submitter. Criteria: GeneDx Variant Classification Process June 2021. Collection method: clinical testing. Allele origin: germline. Affected: yes.
Comment: Not observed at significant frequency in large population cohorts (gnomAD); In silico analysis supports that this missense variant does not alter protein structure/function; Has not been previously published as pathogenic or benign to our knowledge

NM_007118.4(TRIO):c.6139C>G (p.Leu2047Val)

Gene: TRIO (trio Rho guanine nucleotide exchange factor; plus strand). Cytogenetic location: 5p15.2.
Variant type: single nucleotide variant.
Coding change: c.6139C>G on transcript NM_007118.4 (MANE Select); coding-DNA position 6139, C replaced by G.
Protein change: p.Leu2047Val; replaces leucine 2047 with valine.
Molecular consequence: missense variant. On other transcripts: non-coding transcript variant (1).
Genome position (GRCh38, 1-based): chr5:14,476,949, C>G. VCF-style: chr5-14476949-C-G. GRCh37 (hg19) VCF-style: chr5-14477058-C-G.
Other names: short protein forms L2047V.
Identifiers: ClinVar variation 3252439 (VCV003252439.1), dbSNP rs2533603106.